The following is an entry in ClinVar:

ClinVar aggregate classification (germline): Uncertain significance (1 of 4 stars; one submission).

Allele frequency attached by ClinVar (database versions not stated): gnomAD 0.00001.
gnomAD v4.1: 1 of 1,611,446 alleles (0.000062%); highest among the groups gnomAD compares: African/African-American, 0.0013%; no homozygotes.

Submission:

Labcorp Genetics (formerly Invitae), Labcorp
Classification: Uncertain significance. Last evaluated: 2024-11-02. Review status: criteria provided, single submitter. Criteria: Invitae Variant Classification Sherloc (09022015). Collection method: clinical testing. Allele origin: germline.
Comment: This sequence change replaces lysine, which is basic and polar, with arginine, which is basic and polar, at codon 1181 of the MYO18B protein (p.Lys1181Arg). This variant is not present in population databases (gnomAD no frequency). This variant has not been reported in the literature in individuals affected with MYO18B-related conditions. ClinVar contains an entry for this variant (Variation ID: 2007728). An algorithm developed to predict the effect of missense changes on protein structure and function (PolyPhen-2) suggests that this variant is likely to be disruptive. In summary, the available evidence is currently insufficient to determine the role of this variant in disease. Therefore, it has been classified as a Variant of Uncertain Significance.

NM_032608.7(MYO18B):c.3542A>G (p.Lys1181Arg)

Gene: MYO18B (myosin XVIIIB; plus strand). Cytogenetic location: 22q12.1.
Variant type: single nucleotide variant.
Coding change: c.3542A>G on transcript NM_032608.7 (MANE Select); coding-DNA position 3542, A replaced by G.
Protein change: p.Lys1181Arg; replaces lysine 1181 with arginine.
Molecular consequence: missense variant.
Genome position (GRCh38, 1-based): chr22:25,846,273, A>G. VCF-style: chr22-25846273-A-G. GRCh37 (hg19) VCF-style: chr22-26242240-A-G.
Other names: c.3545A>G, p.Lys1182Arg (NM_001318245.2); short protein forms K1181R, K1182R.
Identifiers: ClinVar variation 2007728 (VCV002007728.3), dbSNP rs2090242566, ClinGen allele CA410999518.
Genomic context (GRCh38, chr22:25,846,273, plus strand): 5'-GGAGGACCTTTGCCAGCAGCCTTGCCGCGGTGAGGAGGAAAGCCCCGTGCTCCCAGATCA[A>G]GCTGCAGATGGTGAGTGGGCACCCTGTCTCATGGTGTCCTGGCCTTCACTGCCTCCATCC-3'
Protein context (NP_115997.5, residues 1171-1191): VRRKAPCSQI[Lys1181Arg]LQMDALTSMI